The following is an entry in ClinVar:

ClinVar aggregate classification (germline): Uncertain significance (1 of 4 stars; one submission).

Submission:

Labcorp Genetics (formerly Invitae), Labcorp
Classification: Uncertain significance. Last evaluated: 2022-03-12. Review status: criteria provided, single submitter. Criteria: Invitae Variant Classification Sherloc (09022015). Collection method: clinical testing. Allele origin: germline.
Comment: In summary, the available evidence is currently insufficient to determine the role of this variant in disease. Therefore, it has been classified as a Variant of Uncertain Significance. Algorithms developed to predict the effect of missense changes on protein structure and function are either unavailable or do not agree on the potential impact of this missense change (SIFT: "Tolerated"; PolyPhen-2: "Probably Damaging"; Align-GVGD: "Class C0"). This variant has not been reported in the literature in individuals affected with DIP2C-related conditions. This variant is not present in population databases (gnomAD no frequency). This sequence change replaces lysine, which is basic and polar, with arginine, which is basic and polar, at codon 1348 of the DIP2C protein (p.Lys1348Arg).

NM_014974.3(DIP2C):c.4043A>G (p.Lys1348Arg)

Gene: DIP2C (DIP2 acetate--CoA ligase C (putative); minus strand). Cytogenetic location: 10p15.3.
Variant type: single nucleotide variant.
Coding change: c.4043A>G on transcript NM_014974.3 (MANE Select); coding-DNA position 4043, A replaced by G.
Protein change: p.Lys1348Arg; replaces lysine 1348 with arginine.
Molecular consequence: missense variant.
Genome position (GRCh38, 1-based): chr10:288,365, T>C on the plus strand (A>G on the coding strand, the complement: DIP2C is on the minus strand). VCF-style: chr10-288365-T-C. GRCh37 (hg19) VCF-style: chr10-334305-T-C.
Other names: short protein forms K1348R.
Identifiers: ClinVar variation 2110067 (VCV002110067.4), dbSNP rs369917490, ClinGen allele CA375828681.